The following is an entry in ClinVar:

NM_003482.4(KMT2D):c.6476T>A (p.Leu2159His)

Gene: KMT2D (lysine methyltransferase 2D; minus strand). Cytogenetic location: 12q13.12.
Variant type: single nucleotide variant.
Coding change: c.6476T>A on transcript NM_003482.4 (MANE Select); coding-DNA position 6476, T replaced by A.
Protein change: p.Leu2159His; replaces leucine 2159 with histidine.
Molecular consequence: missense variant.
Genome position (GRCh38, 1-based): chr12:49,041,294, A>T on the plus strand (T>A on the coding strand, the complement: KMT2D is on the minus strand). VCF-style: chr12-49041294-A-T. GRCh37 (hg19) VCF-style: chr12-49435077-A-T.
Other names: short protein forms L2159H.
Identifiers: ClinVar variation 1975244 (VCV001975244.6), dbSNP rs1184345200, ClinGen allele CA384750738.

ClinVar aggregate classification (germline): Uncertain significance. Review status: criteria provided, multiple submitters, no conflicts (2 of 4 stars). 2 submissions from 2 submitters: Uncertain significance (2). Last evaluated 2025-04-18.

Conditions:
Kabuki syndrome. Also called: Kabuki make-up syndrome; NIIKAWA-KUROKI SYNDROME. Identifiers: Orphanet 2322, MedGen C0796004, MONDO:0016512.
Inborn genetic diseases. Identifiers: MedGen C0950123, MeSH D030342.

Submissions (2):

Ambry Genetics
Classification: Uncertain significance for Inborn genetic diseases. Last evaluated: 2025-04-18. Review status: criteria provided, single submitter. Criteria: Ambry Variant Classification Scheme 2023. Collection method: clinical testing. Allele origin: germline.

Labcorp Genetics (formerly Invitae), Labcorp
Classification: Uncertain significance for Kabuki syndrome. Last evaluated: 2025-03-31. Review status: criteria provided, single submitter. Criteria: Invitae Variant Classification Sherloc (09022015). Collection method: clinical testing. Allele origin: germline.
Comment: This sequence change replaces leucine, which is neutral and non-polar, with histidine, which is basic and polar, at codon 2159 of the KMT2D protein (p.Leu2159His). This variant is not present in population databases (gnomAD no frequency). This variant has not been reported in the literature in individuals affected with KMT2D-related conditions. ClinVar contains an entry for this variant (Variation ID: 1975244). Invitae Evidence Modeling of protein sequence and biophysical properties (such as structural, functional, and spatial information, amino acid conservation, physicochemical variation, residue mobility, and thermodynamic stability) has been performed for this missense variant. However, the output from this modeling did not meet the statistical confidence thresholds required to predict the impact of this variant on KMT2D protein function. In summary, the available evidence is currently insufficient to determine the role of this variant in disease. Therefore, it has been classified as a Variant of Uncertain Significance.